The following is an entry in ClinVar:

NM_001083926.2(ASRGL1):c.333+5A>G

Gene: ASRGL1 (asparaginase and isoaspartyl peptidase 1; plus strand). Cytogenetic location: 11q12.3.
Variant type: single nucleotide variant.
Coding change: c.333+5A>G on transcript NM_001083926.2 (MANE Select); 5 bases into the intron after coding-DNA position 333, A replaced by G.
Molecular consequence: intron variant.
Genome position (GRCh38, 1-based): chr11:62,356,472, A>G. VCF-style: chr11-62356472-A-G. GRCh37 (hg19) VCF-style: chr11-62123944-A-G.
Other names: c.333+5A>G (NM_025080.4).
Identifiers: ClinVar variation 964066 (VCV000964066.8), dbSNP rs536519740, ClinGen allele CA6043151.
Genomic context (GRCh38, chr11:62,356,472, plus strand): 5'-CCGCAGTCCAGTGTATAGCAAATCCCATTAAACTTGCTCGGCTTGTCATGGAAAAGGTAT[A>G]TGTGACTAAAGCAGCCTTTTCCTAATGAATTGTTATTGTTATACTGCAGTGATAAGGGCT-3'

ClinVar aggregate classification (germline): Uncertain significance (1 of 4 stars; one submission).

Allele frequency attached by ClinVar (database versions not stated): TOPMed below 0.00001; gnomAD 0.00001 and 0.00003; gnomAD exomes 0.00015; ExAC 0.00017; 1000 Genomes Project 30x 0.00031; 1000 Genomes Project 0.00040.
gnomAD v4.1: 68 of 1,613,992 alleles (0.0042%); highest among the groups gnomAD compares: South Asian, 0.065%; no homozygotes.

Submission:

Labcorp Genetics (formerly Invitae), Labcorp
Classification: Uncertain significance. Last evaluated: 2022-08-09. Review status: criteria provided, single submitter. Criteria: Invitae Variant Classification Sherloc (09022015). Collection method: clinical testing. Allele origin: germline.
Comment: Variants that disrupt the consensus splice site are a relatively common cause of aberrant splicing (PMID: 17576681, 9536098). Algorithms developed to predict the effect of sequence changes on RNA splicing suggest that this variant is not likely to affect RNA splicing. In summary, the available evidence is currently insufficient to determine the role of this variant in disease. Therefore, it has been classified as a Variant of Uncertain Significance. ClinVar contains an entry for this variant (Variation ID: 964066). This variant has not been reported in the literature in individuals affected with ASRGL1-related conditions. This variant is present in population databases (rs536519740, gnomAD 0.1%), and has an allele count higher than expected for a pathogenic variant. This sequence change falls in intron 3 of the ASRGL1 gene. It does not directly change the encoded amino acid sequence of the ASRGL1 protein. It affects a nucleotide within the consensus splice site.

Literature cited by the submitters: PubMed 17576681; PubMed 9536098.